The following is an entry in ClinVar:

ClinVar aggregate classification (germline): Uncertain significance. Review status: criteria provided, multiple submitters, no conflicts (2 of 4 stars). 10 submissions from 10 submitters: Uncertain significance (8). 2 of the submissions do not count toward it. Last evaluated 2025-05-14.

Conditions:
POLE-related disorder. Also called: POLE-related disorders; POLE-related condition.
Hereditary cancer-predisposing syndrome. Also called: Hereditary Cancer Syndrome; Hereditary neoplastic syndrome; Neoplastic Syndromes, Hereditary; Tumor predisposition. Identifiers: Orphanet 140162, MedGen C0027672, MeSH D009386, MONDO:0015356.
Colorectal cancer, susceptibility to, 12 (CRCS12). Also called: COLORECTAL CANCER, SUSCEPTIBILITY TO, ON CHROMOSOME 12q24. Identifiers: Orphanet 220460, MedGen C3554460, MONDO:0014038, OMIM 615083.

Allele frequency attached by ClinVar (database versions not stated): gnomAD 0.00002 and 0.00003; ExAC 0.00004; gnomAD exomes 0.00004 and 0.00009; TOPMed 0.00005.
gnomAD v4.1: 135 of 1,613,894 alleles (0.0084%); highest among the groups gnomAD compares: Non-Finnish European, 0.011%; no homozygotes.

Submissions (10):

Ambry Genetics
Classification: Uncertain significance for Hereditary cancer-predisposing syndrome. Last evaluated: 2025-05-14. Review status: criteria provided, single submitter. Criteria: Ambry Variant Classification Scheme 2023. Collection method: clinical testing. Allele origin: germline.
Comment: The p.K284E variant (also known as c.850A>G), located in coding exon 9 of the POLE gene, results from an A to G substitution at nucleotide position 850. The lysine at codon 284 is replaced by glutamic acid, an amino acid with similar properties. In a study of 51 individuals with multiple colonic adenomas from 48 families who underwent whole-exome sequencing, this variant was identified in an individual diagnosed with a mix of 30 adenomatous, hyperplastic, and serrated polyps who did not have first degree relatives diagnosed with colorectal cancer or polyps (Weren RD et al. Nat. Genet. 2015 Jun;47:668-71). This amino acid position is highly conserved in available vertebrate species. In addition, this alteration is predicted to be deleterious by in silico analysis. Based on the available evidence, the clinical significance of this variant remains unclear.

Center for Genomic Medicine, Rigshospitalet, Copenhagen University Hospital
Classification: Uncertain significance. Last evaluated: 2025-03-04. Review status: criteria provided, single submitter. Criteria: ACMG Guidelines, 2015. Collection method: clinical testing. Allele origin: germline.

Labcorp Genetics (formerly Invitae), Labcorp
Classification: Uncertain significance. Last evaluated: 2025-01-17. Review status: criteria provided, single submitter. Criteria: Invitae Variant Classification Sherloc (09022015). Collection method: clinical testing. Allele origin: germline.
Comment: This sequence change replaces lysine, which is basic and polar, with glutamic acid, which is acidic and polar, at codon 284 of the POLE protein (p.Lys284Glu). This variant is present in population databases (rs568483856, gnomAD 0.02%). This missense change has been observed in individual(s) with multiple colon polyps (PMID: 25938944). ClinVar contains an entry for this variant (Variation ID: 405725). Invitae Evidence Modeling of protein sequence and biophysical properties (such as structural, functional, and spatial information, amino acid conservation, physicochemical variation, residue mobility, and thermodynamic stability) indicates that this missense variant is expected to disrupt POLE protein function with a positive predictive value of 80%. In summary, the available evidence is currently insufficient to determine the role of this variant in disease. Therefore, it has been classified as a Variant of Uncertain Significance.

GeneDx
Classification: Uncertain significance. Last evaluated: 2024-10-29. Review status: criteria provided, single submitter. Criteria: GeneDx Variant Classification Process June 2021. Collection method: clinical testing. Allele origin: germline. Affected: yes.
Comment: Observed in an individual with multiple adenomatous polyps and in another individual with colon cancer who also carried a pathogenic variant in PMS2 (PMID: 25938944, 29596542); In silico analysis supports that this missense variant has a deleterious effect on protein structure/function; This variant is associated with the following publications: (PMID: 25938944, 28492532, 28404093, 29596542, 30448219)

Women's Health and Genetics/Laboratory Corporation of America, LabCorp
Classification: Uncertain significance. Last evaluated: 2024-07-05. Review status: criteria provided, single submitter. Criteria: LabCorp Variant Classification Summary - May 2015. Collection method: clinical testing. Allele origin: germline.
Comment: Variant summary: POLE c.850A>G (p.Lys284Glu) results in a conservative amino acid change located in the DNA-directed DNA polymerase, family B, exonuclease domain (IPR006133) of the encoded protein sequence. Three of five in-silico tools predict a damaging effect of the variant on protein function. The variant allele was found at a frequency of 3.6e-05 in 251454 control chromosomes. The available data on variant occurrences in the general population are insufficient to allow any conclusion about variant significance. c.850A>G has been reported in the literature in settings of whole exome sequencing (WES) performed in at-least one individual affected with Colorectal Cancer highly suspected of a hereditary cause (example, Weren_2015). These report(s) do not provide unequivocal conclusions about association of the variant with Colorectal Cancer. To our knowledge, no experimental evidence demonstrating an impact on protein function has been reported. The following publication have been ascertained in the context of this evaluation (PMID: 25938944). ClinVar contains an entry for this variant (Variation ID: 405725). Based on the evidence outlined above, the variant was classified as uncertain significance.

Quest Diagnostics Nichols Institute San Juan Capistrano
Classification: Uncertain significance. Last evaluated: 2024-03-01. Review status: criteria provided, single submitter. Criteria: Quest Diagnostics criteria. Collection method: clinical testing. Allele origin: unknown.
Comment: The POLE c.850A>G (p.Lys284Glu) variant has been reported in the published literature in individuals affected with ovarian cancer (PMIDs: 32546565 (2021), 30448219 (2019)), colorectal cancer (PMID: 30877237 (2019)), as well as in reportedly healthy individuals (PMID: 29641532 (2018)). The frequency of this variant in the general population, 0.00016 (4/25116 chromosomes in European (Finnish) subpopulation (Genome Aggregation Database)), is higher than would generally be expected for pathogenic variants in this gene. Analysis of this variant using bioinformatics tools for the prediction of the effect of amino acid changes on protein structure and function yielded predictions that this variant is damaging. Based on the available information, we are unable to determine the clinical significance of this variant.

Baylor Genetics
Classification: Uncertain significance for Colorectal cancer, susceptibility to, 12. Last evaluated: 2023-10-03. Review status: criteria provided, single submitter. Criteria: ACMG Guidelines, 2015. Collection method: clinical testing. Allele origin: unknown.

Myriad Genetics, Inc.
Classification: Uncertain significance for Colorectal cancer, susceptibility to, 12. Last evaluated: 2023-04-19. Review status: criteria provided, single submitter. Criteria: Myriad Autosomal Dominant, Autosomal Recessive and X-Linked Classification Criteria (2023). Collection method: clinical testing. Allele origin: unknown.
Comment: This variant is classified as a variant of uncertain significance as there is insufficient evidence to determine its impact on protein function and/or cancer risk.

PreventionGenetics, part of Exact Sciences
Classification: Uncertain significance for POLE-related condition. Last evaluated: 2024-07-29. Review status: no assertion criteria provided. Collection method: clinical testing. Allele origin: germline. Not counted in ClinVar's aggregate classification.
Comment: The POLE c.850A>G variant is predicted to result in the amino acid substitution p.Lys284Glu. This variant was reported in an individual with colorectal cancer and adenomatous polyposis in the absence of other known pathogenic variants (Weren et al. 2015. PubMed ID: 25938944). This variant is reported in 0.016% of alleles in individuals of European (Finnish) descent in gnomAD and is classified as a variant on uncertain significance in ClinVar. At this time, the clinical significance of this variant is uncertain due to the absence of conclusive functional and genetic evidence.

Counsyl
Classification: Uncertain significance for Colorectal cancer, susceptibility to, 12. Last evaluated: 2017-10-17. Review status: no assertion criteria provided. Collection method: clinical testing. Allele origin: unknown. Not counted in ClinVar's aggregate classification.

Literature cited by the submitters: PubMed 25938944 (cited by 6 submitters); PubMed 29641532 (cited by Ambry Genetics and Quest Diagnostics Nichols Institute San Juan Capistrano); PubMed 30448219 (cited by Quest Diagnostics Nichols Institute San Juan Capistrano); PubMed 32546565 (cited by Quest Diagnostics Nichols Institute San Juan Capistrano); PubMed 30877237 (cited by Quest Diagnostics Nichols Institute San Juan Capistrano).

NM_006231.4(POLE):c.850A>G (p.Lys284Glu)

Gene: POLE (DNA polymerase epsilon, catalytic subunit; minus strand). Cytogenetic location: 12q24.33.
Variant type: single nucleotide variant.
Coding change: c.850A>G on transcript NM_006231.4 (MANE Select); coding-DNA position 850, A replaced by G.
Protein change: p.Lys284Glu; replaces lysine 284 with glutamic acid.
Molecular consequence: missense variant.
Genome position (GRCh38, 1-based): chr12:132,676,605, T>C on the plus strand (A>G on the coding strand, the complement: POLE is on the minus strand). VCF-style: chr12-132676605-T-C. GRCh37 (hg19) VCF-style: chr12-133253191-T-C.
Other names: short protein forms K284E.
Identifiers: ClinVar variation 405725 (VCV000405725.29), dbSNP rs568483856, ClinGen allele CA6894158.